The following is an entry in ClinVar:

ClinVar aggregate classification (germline): Uncertain significance (1 of 4 stars; one submission).

Conditions:
Cardiovascular phenotype. Identifiers: MedGen CN230736.
Hereditary cancer-predisposing syndrome. Also called: Hereditary Cancer Syndrome; Neoplastic Syndromes, Hereditary; Tumor predisposition; Hereditary neoplastic syndrome. Identifiers: Orphanet 140162, MedGen C0027672, MeSH D009386, MONDO:0015356.

Submission:

Ambry Genetics
Classification: Uncertain significance for Cardiovascular phenotype; Hereditary cancer-predisposing syndrome. Last evaluated: 2022-05-25. Review status: criteria provided, single submitter. Criteria: Ambry Variant Classification Scheme 2023. Collection method: clinical testing. Allele origin: germline.
Comment: The p.L398V variant (also known as c.1192C>G), located in coding exon 11 of the NF1 gene, results from a C to G substitution at nucleotide position 1192. The leucine at codon 398 is replaced by valine, an amino acid with highly similar properties. This amino acid position is conserved. In addition, the in silico prediction for this alteration is inconclusive. Since supporting evidence is limited at this time, the clinical significance of this alteration remains unclear.

NM_001042492.3(NF1):c.1192C>G (p.Leu398Val)

Gene: NF1 (neurofibromin 1; plus strand). Cytogenetic location: 17q11.2.
Variant type: single nucleotide variant.
Coding change: c.1192C>G on transcript NM_001042492.3 (MANE Select); coding-DNA position 1192, C replaced by G.
Protein change: p.Leu398Val; replaces leucine 398 with valine.
Molecular consequence: missense variant.
Genome position (GRCh38, 1-based): chr17:31,201,417, C>G. VCF-style: chr17-31201417-C-G. GRCh37 (hg19) VCF-style: chr17-29528435-C-G.
Other names: c.1192C>G, p.Leu398Val (NM_000267.4, NM_001128147.3); short protein forms L398V.
Identifiers: ClinVar variation 1745250 (VCV001745250.2), dbSNP rs2143885658, ClinGen allele CA398997430.
Genomic context (GRCh38, chr17:31,201,417, plus strand): 5'-TACTGAGTATTTTTCTCATAGAAATAATCTGCTTTTTTTTTTCTTTTTCTATAGATCTGC[C>G]TGGCTCAGAATTCACCTTCTACATTTCACTATGTGCTGGTAAATTCACTCCATCGAATCA-3'
Protein context (NP_001035957.1, residues 388-408): PHNNQHFKIC[Leu398Val]AQNSPSTFHY